The following is an entry in ClinVar:

NM_000237.3(LPL):c.1123A>G (p.Asn375Asp)

Gene: LPL (lipoprotein lipase; plus strand). Cytogenetic location: 8p21.3.
Variant type: single nucleotide variant.
Coding change: c.1123A>G on transcript NM_000237.3 (MANE Select); coding-DNA position 1123, A replaced by G.
Protein change: p.Asn375Asp; replaces asparagine 375 with aspartic acid.
Molecular consequence: missense variant.
Genome position (GRCh38, 1-based): chr8:19,959,364, A>G. VCF-style: chr8-19959364-A-G. GRCh37 (hg19) VCF-style: chr8-19816875-A-G.
Other names: short protein forms N375D.
Identifiers: ClinVar variation 1343454 (VCV001343454.2), dbSNP rs780133524, ClinGen allele CA4655615.
Genomic context (GRCh38, chr8:19,959,364, plus strand): 5'-GAAACCCATACCAATCAGGCCTTTGAGATTTCTCTGTATGGCACCGTGGCCGAGAGTGAG[A>G]ACATCCCATTCACTCTGTGAGTAGCACAGGGGGGCGGTCATCATGGCACCAGTCCCTCTC-3'
Protein context (NP_000228.1, residues 365-385): SLYGTVAESE[Asn375Asp]IPFTLPEVST

ClinVar aggregate classification (germline): Uncertain significance. Review status: criteria provided, multiple submitters, no conflicts (2 of 4 stars). 2 submissions from 2 submitters: Uncertain significance (2). Last evaluated 2022-02-23.

Conditions:
Hyperlipidemia, familial combined, LPL related (FCHL3). Also called: Hyperapobetalipoproteinemia. Identifiers: MedGen C0020474, MONDO:0007759, OMIM 144250, HP:0008158.
Hyperlipoproteinemia, type I. Also called: Familial hyperlipo-proteinemia type 1; Hyperlipemia essential familial; HYPERLIPOPROTEINEMIA, TYPE IA; LPL DEFICIENCY; Lipoprotein Lipase Deficiency; Lipase D deficiency. Identifiers: Orphanet 309015, Orphanet 444490, MedGen C0023817, MONDO:0009387, OMIM 238600. Disease mechanism: loss of function.

Allele frequency attached by ClinVar (database versions not stated): TOPMed 0.00005; gnomAD 0.00006 and 0.00007; gnomAD exomes 0.00006 and 0.00005; ExAC 0.00005.
gnomAD v4.1: 106 of 1,614,102 alleles (0.0066%); highest among the groups gnomAD compares: Non-Finnish European, 0.0084%; no homozygotes.

Submissions (2):

Women's Health and Genetics/Laboratory Corporation of America, LabCorp
Classification: Uncertain significance. Last evaluated: 2022-02-23. Review status: criteria provided, single submitter. Criteria: LabCorp Variant Classification Summary - May 2015. Collection method: clinical testing. Allele origin: germline.
Comment: Variant summary: LPL c.1123A>G (p.Asn375Asp) results in a conservative amino acid change located in the PLAT/LH2 domain (IPR001024) of the encoded protein sequence. Four of five in-silico tools predict a benign effect of the variant on protein function. The variant allele was found at a frequency of 4.8e-05 in 251254 control chromosomes. This frequency is not significantly higher than expected for a pathogenic variant in LPL causing Familial Lipoprotein Lipase Deficiency (4.8e-05 vs 0.0034), allowing no conclusion about variant significance. c.1123A>G has been reported in the literature as a VUS in settings of multigene panel testing for dyslipidemias (example, Dron_2020). These report(s) do not provide unequivocal conclusions about association of the variant with Familial Lipoprotein Lipase Deficiency. To our knowledge, no experimental evidence demonstrating an impact on protein function has been reported. No clinical diagnostic laboratories have submitted clinical-significance assessments for this variant to ClinVar after 2014. Based on the evidence outlined above, the variant was classified as uncertain significance.

Fulgent Genetics
Classification: Uncertain significance for Hyperlipidemia, familial combined, LPL related; Hyperlipoproteinemia, type I. Last evaluated: 2022-02-18. Review status: criteria provided, single submitter. Criteria: ACMG Guidelines, 2015. Collection method: clinical testing. Allele origin: unknown.

Literature cited by the submitters: PubMed 32041611 (cited by Women's Health and Genetics/Laboratory Corporation of America, LabCorp).